The following is an entry in ClinVar:

NM_001126108.2(SLC12A3):c.5C>G (p.Ala2Gly)

Gene: SLC12A3 (solute carrier family 12 member 3; plus strand). Cytogenetic location: 16q13.
Variant type: single nucleotide variant.
Coding change: c.5C>G on transcript NM_001126108.2 (MANE Select); coding-DNA position 5, C replaced by G.
Protein change: p.Ala2Gly; replaces alanine 2 with glycine.
Molecular consequence: missense variant.
Genome position (GRCh38, 1-based): chr16:56,865,240, C>G. VCF-style: chr16-56865240-C-G. GRCh37 (hg19) VCF-style: chr16-56899152-C-G.
Other names: c.5C>G, p.Ala2Gly (NM_000339.3, NM_001126107.2); short protein forms A2G.
Identifiers: ClinVar variation 1702658 (VCV001702658.2), dbSNP rs1365506259, ClinGen allele CA395975966.

ClinVar aggregate classification (germline): Uncertain significance (1 of 4 stars; one submission).

gnomAD v4.1: 1 of 1,613,470 alleles (0.000062%); highest among the groups gnomAD compares: Non-Finnish European, 0.000085%; no homozygotes.

Submission:

GeneDx
Classification: Uncertain significance. Last evaluated: 2022-08-19. Review status: criteria provided, single submitter. Criteria: GeneDx Variant Classification Process June 2021. Collection method: clinical testing. Allele origin: germline. Affected: yes.
Comment: Not observed at significant frequency in large population cohorts (gnomAD); In silico analysis supports that this missense variant does not alter protein structure/function; Has not been previously published as pathogenic or benign to our knowledge